The following is an entry in ClinVar:

NM_003640.5(ELP1):c.882G>A (p.Trp294Ter)

Gene: ELP1 (elongator acetyltransferase complex subunit 1; minus strand). Cytogenetic location: 9q31.3.
Variant type: single nucleotide variant.
Coding change: c.882G>A on transcript NM_003640.5 (MANE Select); coding-DNA position 882, G replaced by A.
Protein change: p.Trp294Ter; replaces tryptophan 294 with a stop codon.
Molecular consequence: nonsense. On other transcripts: 5 prime UTR variant (1).
Genome position (GRCh38, 1-based): chr9:108,916,280, C>T on the plus strand (G>A on the coding strand, the complement: ELP1 is on the minus strand). VCF-style: chr9-108916280-C-T. GRCh37 (hg19) VCF-style: chr9-111678560-C-T.
Other names: c.540G>A, p.Trp180Ter (NM_001318360.2); c.-166G>A (NM_001330749.2); c.882G>A (NM_003640.4); short protein forms W180*, W294*.
Identifiers: ClinVar variation 1724014 (VCV001724014.6), dbSNP rs2537936552, ClinGen allele CA374385457.

ClinVar aggregate classification (germline): Pathogenic/Likely pathogenic. Review status: criteria provided, multiple submitters, no conflicts (2 of 4 stars). 5 submissions from 5 submitters: Pathogenic (3); Likely pathogenic (2). Last evaluated 2025-12-22.

Conditions:
ELP1-Associated Medulloblastoma. Identifiers: MedGen C5670652.
Familial dysautonomia. Also called: HSAN III; FD. Identifiers: Orphanet 1764, MedGen C0013364, MONDO:0009131, OMIM 223900. Disease mechanism: loss of function.

Submissions (5):

Labcorp Genetics (formerly Invitae), Labcorp
Classification: Pathogenic. Last evaluated: 2025-12-22. Review status: criteria provided, single submitter. Criteria: Invitae Variant Classification Sherloc (09022015). Collection method: clinical testing. Allele origin: germline.
Comment: This sequence change creates a premature translational stop signal (p.Trp294*) in the ELP1 gene. It is expected to result in an absent or disrupted protein product. Loss-of-function variants in ELP1 are known to be pathogenic (PMID: 18303054, 24173031). This variant is not present in population databases (gnomAD no frequency). This premature translational stop signal has been observed in individual(s) with medulloblastoma (PMID: 34687117). ClinVar contains an entry for this variant (Variation ID: 1724014). For these reasons, this variant has been classified as Pathogenic.

Women's Health and Genetics/Laboratory Corporation of America, LabCorp
Classification: Pathogenic for Familial dysautonomia. Last evaluated: 2023-08-07. Review status: criteria provided, single submitter. Criteria: LabCorp Variant Classification Summary - May 2015. Collection method: clinical testing. Allele origin: germline.
Comment: Variant summary: IKBKAP (also known as ELP1) c.882G>A (p.Trp294X) results in a premature termination codon, predicted to cause a truncation of the encoded protein or absence of the protein due to nonsense mediated decay, which are commonly known mechanisms for disease. The variant was absent in 251430 control chromosomes (gnomAD). c.882G>A has been reported in the literature in at least one heterozygous individual with medulloblastoma (e.g., Sylvester_2022). To our knowledge, no experimental evidence demonstrating an impact on protein function has been reported. The following publication was ascertained in the context of this evaluation (PMID: 34687117). Two submitters have reported clinical-significance assessments for this variant to ClinVar after 2014. All submitters classified the variant as pathogenic/likely pathogenic. Based on the evidence outlined above, the variant was classified as pathogenic.

Institute for Genomic Medicine (IGM) Clinical Laboratory, Nationwide Children's Hospital
Classification: Likely pathogenic for ELP1-Associated Medulloblastoma. Last evaluated: 2022-12-05. Review status: criteria provided, single submitter. Criteria: ACMG Guidelines, 2015. Collection method: clinical testing. Allele origin: germline.
Comment: This variant is predicted to result in loss of function through nonsense-mediated decay of the encoded transcript or premature truncation of the encoded protein in a gene in which loss of function is a known mechanism of disease (ACMG/AMP: PVS1). This variant is absent from or present at an exceedingly low frequency in gnomAD, a large-scale control population database (ACMG/AMP: PM2).

Myriad Genetics, Inc.
Classification: Likely pathogenic for Familial dysautonomia. Last evaluated: 2022-01-23. Review status: criteria provided, single submitter. Criteria: Myriad Women's Health Autosomal Recessive and X-Linked Classification Criteria (2021). Collection method: clinical testing. Allele origin: unknown.
Comment: NM_003640.3(ELP1):c.882G>A(W294*) is expected to be pathogenic in the context of familial dysautonomia. This variant is predicted to lead to an abnormal or absent protein product due to the creation of a premature termination codon in ELP1, a gene where loss-of-function variants are known to be pathogenic. Please note: this variant was assessed in the context of healthy population screening.

Ambry Genetics
Classification: Pathogenic. Last evaluated: 2020-04-28. Review status: criteria provided, single submitter. Criteria: Ambry Variant Classification Scheme 2023. Collection method: clinical testing. Allele origin: germline.
Comment: The p.W294* variant (also known as c.882G>A), located in coding exon 9 of the IKBKAP gene, results from a G to A substitution at nucleotide position 882. This changes the amino acid from a tryptophan to a stop codon within coding exon 9. This alteration is expected to result in loss of function by premature protein truncation or nonsense-mediated mRNA decay. As such, this alteration is interpreted as a disease-causing mutation.

Literature cited by the submitters: PubMed 18303054 (cited by Labcorp Genetics (formerly Invitae), Labcorp); PubMed 24173031 (cited by Labcorp Genetics (formerly Invitae), Labcorp); PubMed 34687117 (cited by Labcorp Genetics (formerly Invitae), Labcorp and Women's Health and Genetics/Laboratory Corporation of America, LabCorp).